The following is an entry in ClinVar:

ClinVar aggregate classification (germline): Uncertain significance. Review status: criteria provided, multiple submitters, no conflicts (2 of 4 stars). 2 submissions from 2 submitters: Uncertain significance (2). Last evaluated 2026-01-18.

Allele frequency attached by ClinVar (database versions not stated): TOPMed below 0.00001.

Submissions (2):

Ambry Genetics
Classification: Uncertain significance. Last evaluated: 2026-01-18. Review status: criteria provided, single submitter. Criteria: Ambry Variant Classification Scheme 2023. Collection method: clinical testing. Allele origin: germline.
Comment: The p.A185V variant (also known as c.554C>T), located in coding exon 5 of the SRP72 gene, results from a C to T substitution at nucleotide position 554. The alanine at codon 185 is replaced by valine, an amino acid with similar properties. This amino acid position is conserved. In addition, the in silico prediction for this alteration is inconclusive. Based on the available evidence, the clinical significance of this variant remains unclear.

Labcorp Genetics (formerly Invitae), Labcorp
Classification: Uncertain significance. Last evaluated: 2022-09-02. Review status: criteria provided, single submitter. Criteria: Invitae Variant Classification Sherloc (09022015). Collection method: clinical testing. Allele origin: germline.
Comment: This variant is not present in population databases (gnomAD no frequency). In summary, the available evidence is currently insufficient to determine the role of this variant in disease. Therefore, it has been classified as a Variant of Uncertain Significance. Algorithms developed to predict the effect of missense changes on protein structure and function (SIFT, PolyPhen-2, Align-GVGD) all suggest that this variant is likely to be tolerated. This variant has not been reported in the literature in individuals affected with SRP72-related conditions. This sequence change replaces alanine, which is neutral and non-polar, with valine, which is neutral and non-polar, at codon 185 of the SRP72 protein (p.Ala185Val).

NM_006947.4(SRP72):c.554C>T (p.Ala185Val)

Gene: SRP72 (signal recognition particle 72; plus strand). Cytogenetic location: 4q12.
Variant type: single nucleotide variant.
Coding change: c.554C>T on transcript NM_006947.4 (MANE Select); coding-DNA position 554, C replaced by T.
Protein change: p.Ala185Val; replaces alanine 185 with valine.
Molecular consequence: missense variant. On other transcripts: non-coding transcript variant (1).
Genome position (GRCh38, 1-based): chr4:56,474,335, C>T. VCF-style: chr4-56474335-C-T. GRCh37 (hg19) VCF-style: chr4-57340501-C-T.
Other names: c.554C>T, p.Ala185Val (NM_001267722.2); c.554C>T (NM_006947.3); short protein forms A185V.
Identifiers: ClinVar variation 1949540 (VCV001949540.6), dbSNP rs1265348258, ClinGen allele CA356997019.
Genomic context (GRCh38, chr4:56,474,335, plus strand): 5'-GACAGGAGAACCTGGGCCTCCAAGAAGGCACACATGAGCTGTGCTACAACACTGCATGTG[C>T]ACTGATAGGCCAAGGCCAGCTGAACCAGGCCATGAAAATCCTACAAAAAGCTGAAGGTTG-3'
Protein context (NP_008878.3, residues 175-195): THELCYNTAC[Ala185Val]LIGQGQLNQA